The following is an entry in ClinVar:

NM_000124.4(ERCC6):c.1135G>T (p.Glu379Ter)

Gene: ERCC6 (ERCC excision repair 6, chromatin remodeling factor; minus strand). Cytogenetic location: 10q11.23.
Variant type: single nucleotide variant.
Coding change: c.1135G>T on transcript NM_000124.4 (MANE Select); coding-DNA position 1135, G replaced by T.
Protein change: p.Glu379Ter; replaces glutamic acid 379 with a stop codon.
Molecular consequence: nonsense.
Genome position (GRCh38, 1-based): chr10:49,524,295, C>A on the plus strand (G>T on the coding strand, the complement: ERCC6 is on the minus strand). VCF-style: chr10-49524295-C-A. GRCh37 (hg19) VCF-style: chr10-50732341-C-A.
Other names: c.1135G>T, p.Glu379Ter (NM_001277058.2, NM_001277059.2, NM_001346440.2); short protein forms E379*.
Identifiers: ClinVar variation 555146 (VCV000555146.11), dbSNP rs1554793270, ClinGen allele CA376752794.

ClinVar aggregate classification (germline): Pathogenic. Review status: criteria provided, single submitter (1 of 4 stars). 2 submissions from 2 submitters: Pathogenic (1). 1 of the submissions does not count toward it. Last evaluated 2022-03-02.

Conditions:
DE SANCTIS-CACCHIONE SYNDROME. Identifiers: MedGen C0265201, MONDO:0010217, OMIM 278800.
Cockayne syndrome type 2 (CSB). Also called: Cockayne Syndrome, Type II; COCKAYNE SYNDROME B. Identifiers: Orphanet 191, Orphanet 90322, MedGen C0751038, MONDO:0019570, OMIM 133540.
Cerebrooculofacioskeletal syndrome 1 (COFS1). Also called: Cerebro-oculo-facio-skeletal syndrome 1. Identifiers: MedGen C0220722, MONDO:0008955, OMIM 214150.

Allele frequency attached by ClinVar (database versions not stated): gnomAD exomes below 0.00001; TOPMed below 0.00001.
gnomAD v4.1: 4 of 1,614,060 alleles (0.00025%); highest among the groups gnomAD compares: Non-Finnish European, 0.00034%; no homozygotes.

Submissions (2):

Labcorp Genetics (formerly Invitae), Labcorp
Classification: Pathogenic. Last evaluated: 2022-03-02. Review status: criteria provided, single submitter. Criteria: Invitae Variant Classification Sherloc (09022015). Collection method: clinical testing. Allele origin: germline.
Comment: Algorithms developed to predict the effect of sequence changes on RNA splicing suggest that this variant may create or strengthen a splice site. For these reasons, this variant has been classified as Pathogenic. ClinVar contains an entry for this variant (Variation ID: 555146). This premature translational stop signal has been observed in individual(s) with Cockayne syndrome (PMID: 19894250). This variant is not present in population databases (gnomAD no frequency). This sequence change creates a premature translational stop signal (p.Glu379*) in the ERCC6 gene. It is expected to result in an absent or disrupted protein product. Loss-of-function variants in ERCC6 are known to be pathogenic (PMID: 18628313, 29572252).

Counsyl
Classification: Likely pathogenic for Cockayne syndrome type 2; Cerebrooculofacioskeletal syndrome 1; DE SANCTIS-CACCHIONE SYNDROME. Last evaluated: 2017-11-17. Review status: no assertion criteria provided. Collection method: clinical testing. Allele origin: unknown. Not counted in ClinVar's aggregate classification.

Literature cited by the submitters: PubMed 19894250 (cited by Labcorp Genetics (formerly Invitae), Labcorp and Counsyl); PubMed 18628313 (cited by Labcorp Genetics (formerly Invitae), Labcorp); PubMed 29572252 (cited by Labcorp Genetics (formerly Invitae), Labcorp).